The following is an entry in ClinVar:

NM_001372044.2(SHANK3):c.750C>T (p.His250=)

Gene: SHANK3 (SH3 and multiple ankyrin repeat domains 3; plus strand). Cytogenetic location: 22q13.33.
Variant type: single nucleotide variant.
Coding change: c.750C>T on transcript NM_001372044.2 (MANE Select); coding-DNA position 750, C replaced by T.
Protein change: p.His250=; no amino-acid change (histidine 250 retained).
Molecular consequence: synonymous variant.
Genome position (GRCh38, 1-based): chr22:50,678,845, C>T. VCF-style: chr22-50678845-C-T. GRCh37 (hg19) VCF-style: chr22-51117273-C-T.
Identifiers: ClinVar variation 4682004 (VCV004682004.5).
Genomic context (GRCh38, chr22:50,678,845, plus strand): 5'-CGCAGCCCAGCTGGACAACGCCACGGACCTGCTAAAGGTGCTGAAGAATGGTGGTGCCCA[C>T]CTGGACTTCCGCACTCGCGATGGGCTCACTGCCGTGCACTGTGCCACACGCCAGCGGAAT-3'
Protein context (NP_001358973.1, residues 240-260): LLKVLKNGGA[His250=]LDFRTRDGLT

ClinVar aggregate classification (germline): Likely benign (1 of 4 stars; one submission).

Submission:

CeGaT Center for Human Genetics Tuebingen
Classification: Likely benign. Last evaluated: 2025-12-01. Review status: criteria provided, single submitter. Criteria: CeGaT Center For Human Genetics Tuebingen Variant Classification Criteria Version 2. Collection method: clinical testing. Allele origin: germline. Affected: yes. Observed: 1 variant allele.
Comment: SHANK3: PM2:Supporting, BP4, BP7